The following is an entry in ClinVar:

NM_152703.5(SAMD9L):c.1078G>A (p.Asp360Asn)

Gene: SAMD9L (sterile alpha motif domain containing 9 like; minus strand). Cytogenetic location: 7q21.2.
Variant type: single nucleotide variant.
Coding change: c.1078G>A on transcript NM_152703.5 (MANE Select); coding-DNA position 1078, G replaced by A.
Protein change: p.Asp360Asn; replaces aspartic acid 360 with asparagine.
Molecular consequence: missense variant.
Genome position (GRCh38, 1-based): chr7:93,134,894, C>T on the plus strand (G>A on the coding strand, the complement: SAMD9L is on the minus strand). VCF-style: chr7-93134894-C-T. GRCh37 (hg19) VCF-style: chr7-92764207-C-T.
Other names: c.1078G>A, p.Asp360Asn (NM_001303496.3, NM_001303497.3, NM_001303498.3 and 5 more transcripts); short protein forms D360N.
Identifiers: ClinVar variation 3687605 (VCV003687605.2).

ClinVar aggregate classification (germline): Uncertain significance (1 of 4 stars; one submission).

Submission:

Labcorp Genetics (formerly Invitae), Labcorp
Classification: Uncertain significance. Last evaluated: 2024-03-27. Review status: criteria provided, single submitter. Criteria: Invitae Variant Classification Sherloc (09022015). Collection method: clinical testing. Allele origin: germline.
Comment: This sequence change replaces aspartic acid, which is acidic and polar, with asparagine, which is neutral and polar, at codon 360 of the SAMD9L protein (p.Asp360Asn). This variant is not present in population databases (gnomAD no frequency). This variant has not been reported in the literature in individuals affected with SAMD9L-related conditions. Algorithms developed to predict the effect of missense changes on protein structure and function output the following: SIFT: "Not Available"; PolyPhen-2: "Benign"; Align-GVGD: "Not Available". The asparagine amino acid residue is found in multiple mammalian species, which suggests that this missense change does not adversely affect protein function. In summary, the available evidence is currently insufficient to determine the role of this variant in disease. Therefore, it has been classified as a Variant of Uncertain Significance.